The following is an entry in ClinVar:

NM_205768.3(ZBTB18):c.1085G>A (p.Ser362Asn)

Gene: ZBTB18 (zinc finger and BTB domain containing 18; plus strand). Cytogenetic location: 1q44.
Variant type: single nucleotide variant.
Coding change: c.1085G>A on transcript NM_205768.3 (MANE Select); coding-DNA position 1085, G replaced by A.
Protein change: p.Ser362Asn; replaces serine 362 with asparagine.
Molecular consequence: missense variant. On other transcripts: 3 prime UTR variant (1).
Genome position (GRCh38, 1-based): chr1:244,054,859, G>A. VCF-style: chr1-244054859-G-A. GRCh37 (hg19) VCF-style: chr1-244218161-G-A.
Other names: c.*262G>A (NM_001421566.1); c.1058G>A, p.Ser353Asn (NM_006352.5, NM_001278196.2); short protein forms S353N, S362N.
Identifiers: ClinVar variation 2869588 (VCV002869588.3), dbSNP rs779785882, ClinGen allele CA1484390.

ClinVar aggregate classification (germline): Uncertain significance (1 of 4 stars; one submission).

Allele frequency attached by ClinVar (database versions not stated): gnomAD exomes 0.00003; TOPMed 0.00003; ExAC 0.00001; gnomAD 0.00003.
gnomAD v4.1: 62 of 1,613,994 alleles (0.0038%); highest among the groups gnomAD compares: Non-Finnish European, 0.0043%; no homozygotes.

Submission:

Labcorp Genetics (formerly Invitae), Labcorp
Classification: Uncertain significance. Last evaluated: 2025-04-07. Review status: criteria provided, single submitter. Criteria: Invitae Variant Classification Sherloc (09022015). Collection method: clinical testing. Allele origin: germline.
Comment: This sequence change replaces serine, which is neutral and polar, with asparagine, which is neutral and polar, at codon 362 of the ZBTB18 protein (p.Ser362Asn). This variant is present in population databases (rs779785882, gnomAD 0.007%). This variant has not been reported in the literature in individuals affected with ZBTB18-related conditions. ClinVar contains an entry for this variant (Variation ID: 2869588). Invitae Evidence Modeling of protein sequence and biophysical properties (such as structural, functional, and spatial information, amino acid conservation, physicochemical variation, residue mobility, and thermodynamic stability) indicates that this missense variant is not expected to disrupt ZBTB18 protein function with a negative predictive value of 95%. In summary, the available evidence is currently insufficient to determine the role of this variant in disease. Therefore, it has been classified as a Variant of Uncertain Significance.